The following is an entry in ClinVar:

ClinVar aggregate classification (germline): Uncertain significance (1 of 4 stars; one submission).

gnomAD v4.1: 4 of 1,558,588 alleles (0.00026%); highest among the groups gnomAD compares: African/African-American, 0.0014%; no homozygotes.

Submission:

Labcorp Genetics (formerly Invitae), Labcorp
Classification: Uncertain significance. Last evaluated: 2024-12-10. Review status: criteria provided, single submitter. Criteria: Invitae Variant Classification Sherloc (09022015). Collection method: clinical testing. Allele origin: germline.
Comment: This sequence change replaces tyrosine, which is neutral and polar, with cysteine, which is neutral and slightly polar, at codon 265 of the IFT88 protein (p.Tyr265Cys). The frequency data for this variant in the population databases is considered unreliable, as metrics indicate poor data quality at this position in the gnomAD database. This variant has not been reported in the literature in individuals affected with IFT88-related conditions. An algorithm developed to predict the effect of missense changes on protein structure and function (PolyPhen-2) suggests that this variant is likely to be disruptive. In summary, the available evidence is currently insufficient to determine the role of this variant in disease. Therefore, it has been classified as a Variant of Uncertain Significance.

NM_006531.5(IFT88):c.767A>G (p.Tyr256Cys)

Gene: IFT88 (intraflagellar transport 88; plus strand). Cytogenetic location: 13q12.11.
Variant type: single nucleotide variant.
Coding change: c.767A>G on transcript NM_006531.5 (MANE Select); coding-DNA position 767, A replaced by G.
Protein change: p.Tyr256Cys; replaces tyrosine 256 with cysteine.
Molecular consequence: missense variant. On other transcripts: non-coding transcript variant (5).
Genome position (GRCh38, 1-based): chr13:20,599,520, A>G. VCF-style: chr13-20599520-A-G. GRCh37 (hg19) VCF-style: chr13-21173659-A-G.
Other names: c.710A>G, p.Tyr237Cys (NM_001318491.2, NM_001353573.2, NM_001353574.2 and 1 more transcripts); c.794A>G, p.Tyr265Cys (NM_001318493.2, NM_001353565.2, NM_001353566.2 and 6 more transcripts); c.767A>G, p.Tyr256Cys (NM_001353568.2, NM_001353571.2, NM_001353572.2 and 1 more transcripts); c.134A>G, p.Tyr45Cys (NM_001353579.2); short protein forms Y237C, Y256C, Y265C, Y45C.
Identifiers: ClinVar variation 3719167 (VCV003719167.2).
Genomic context (GRCh38, chr13:20,599,520, plus strand): 5'-AAATGAATATGGGAAATATCTATTTAAAGCAAAGAAATTATTCCAAAGCCATTAAATTCT[A>G]CCGAATGGCATTAGACCAAGTTCCAAGTGTCAATAAGCAAATGAGGTAAGTTTATAACAA-3'
Protein context (NP_006522.2, residues 246-266): QRNYSKAIKF[Tyr256Cys]RMALDQVPSV